The following is an entry in ClinVar:

NM_003738.5(PTCH2):c.2059-1G>A

Gene: PTCH2 (patched 2; minus strand). Cytogenetic location: 1p34.1.
Variant type: single nucleotide variant.
Coding change: c.2059-1G>A on transcript NM_003738.5 (MANE Select); the canonical splice acceptor site of the intron before coding-DNA position 2059, G replaced by A.
Molecular consequence: splice acceptor variant.
Genome position (GRCh38, 1-based): chr1:44,827,715, C>T on the plus strand (G>A on the coding strand, the complement: PTCH2 is on the minus strand). VCF-style: chr1-44827715-C-T. GRCh37 (hg19) VCF-style: chr1-45293387-C-T.
Other names: c.2059-1G>A (NM_001166292.2).
Identifiers: ClinVar variation 4750381 (VCV004750381.1).
Genomic context (GRCh38, chr1:44,827,715, plus strand): 5'-CAAGGTGGCTCCGTAGAGGCTCAGGCCCAGAAGAGCACCAAAGAGCACCAGCACGATGGC[C>T]TGCGGGATGTAGCAACTAAGCTGGAGACCCCAGGGCTGCCCCCAGCCCCTCAGGCAGTGG-3'

ClinVar aggregate classification (germline): Uncertain significance (1 of 4 stars; one submission).

Conditions:
Gorlin syndrome. Also called: Nevoid Basal Cell Carcinoma Syndrome; Basal cell nevus syndrome. Identifiers: Orphanet 377, MedGen C0004779, MONDO:0007187.

Submission:

Labcorp Genetics (formerly Invitae), Labcorp
Classification: Uncertain significance for Gorlin syndrome. Last evaluated: 2025-02-20. Review status: criteria provided, single submitter. Criteria: Invitae Variant Classification Sherloc (09022015). Collection method: clinical testing. Allele origin: germline.
Comment: This sequence change affects an acceptor splice site in intron 14 of the PTCH2 gene. It is expected to disrupt RNA splicing. Variants that disrupt the donor or acceptor splice site typically lead to a loss of protein function (PMID: 16199547), however the current clinical and genetic evidence is not sufficient to establish whether loss-of-function variants in PTCH2 cause disease. This variant is not present in population databases (gnomAD no frequency). This variant has not been reported in the literature in individuals affected with PTCH2-related conditions. Algorithms developed to predict the effect of sequence changes on RNA splicing suggest that this variant may disrupt the consensus splice site. In summary, the available evidence is currently insufficient to determine the role of this variant in disease. Therefore, it has been classified as a Variant of Uncertain Significance.

Literature cited by the submitters: PubMed 16199547.